The following is an entry in ClinVar:

ClinVar aggregate classification (germline): Likely pathogenic. Review status: criteria provided, multiple submitters, no conflicts (2 of 4 stars). 2 submissions from 2 submitters: Likely pathogenic (2). Last evaluated 2023-03-09.

Conditions:
Progressive sclerosing poliodystrophy (MTDPS4A). Also called: NEURONAL DEGENERATION OF CHILDHOOD WITH LIVER DISEASE, PROGRESSIVE; Mitochondrial DNA Depletion Syndrome 4A; Alpers-Huttenlocher Syndrome (AHS); ALPERS PROGRESSIVE INFANTILE POLIODYSTROPHY; Alpers Syndrome; ALPERS DIFFUSE DEGENERATION OF CEREBRAL GRAY MATTER WITH HEPATIC CIRRHOSIS. Identifiers: Orphanet 726, MedGen C0205710, MONDO:0008758, OMIM 203700.

Submissions (2):

Baylor Genetics
Classification: Likely pathogenic for Progressive sclerosing poliodystrophy. Last evaluated: 2023-03-09. Review status: criteria provided, single submitter. Criteria: ACMG Guidelines, 2015. Collection method: clinical testing. Allele origin: unknown.

Athena Diagnostics
Classification: Likely pathogenic. Last evaluated: 2019-02-12. Review status: criteria provided, single submitter. Criteria: Athena Diagnostics Criteria. Collection method: clinical testing. Allele origin: germline.
Comment: The variant results in a shift of the reading frame, and is therefore predicted to result in the loss of a functional protein. Not found in the total gnomAD dataset, and the data is high quality.

NM_002693.3(POLG):c.3528_3531del (p.Val1177fs)

Gene: POLG (DNA polymerase gamma, catalytic subunit; minus strand). Cytogenetic location: 15q26.1.
Variant type: Microsatellite.
Coding change: c.3528_3531del on transcript NM_002693.3 (MANE Select); coding-DNA positions 3528 to 3531, 4 bases deleted (AGTC; older notation c.3528_3531delAGTC).
Protein change: p.Val1177fs; shifts the reading frame from valine 1177.
Molecular consequence: frameshift variant.
Genome position (GRCh38, 1-based): chr15:89,317,488-89,317,491, GACT deleted on the plus strand (AGTC on the coding strand, the reverse complement: POLG is on the minus strand); deleting any 4 consecutive bases within chr15:89,317,488-89,317,496 gives the same sequence; the c. name uses the placement nearest the transcript's 3' end. VCF-style (leftmost placement, unchanged base first): chr15-89317487-CGACT-C. GRCh37 (hg19) VCF-style: chr15-89860718-CGACT-C.
Other names: c.3528_3531del (NM_002693.2); c.3528_3531del, p.Val1177fs (NM_001126131.2); short protein forms V1177fs.
Identifiers: ClinVar variation 805230 (VCV000805230.2), dbSNP rs1596348547, ClinGen allele CA915946120.